The following is an entry in ClinVar:

ClinVar aggregate classification (germline): Likely benign. Review status: criteria provided, multiple submitters, no conflicts (2 of 4 stars). 3 submissions from 3 submitters: Likely benign (3). Last evaluated 2026-03-01.

Conditions:
Shprintzen-Goldberg syndrome (SGS). Also called: Marfanoid disorder with craniosynostosis type 1; Marfanoid craniosynostosis syndrome; Shprintzen-Goldberg marfanoid syndrome; SHPRINTZEN-GOLDBERG CRANIOSYNOSTOSIS SYNDROME; CRANIOSYNOSTOSIS WITH ARACHNODACTYLY AND ABDOMINAL HERNIAS. Identifiers: Orphanet 2462, MedGen C1321551, MONDO:0008426, OMIM 182212.
Familial thoracic aortic aneurysm and aortic dissection (TAAD). Also called: Thoracic aortic aneurysms and dissections. Identifiers: Orphanet 91387, MedGen C4707243, MONDO:0019625.

Allele frequency attached by ClinVar (database versions not stated): gnomAD exomes below 0.00001 and 0.00001; gnomAD 0.00001; TOPMed 0.00001; ExAC 0.00003.
gnomAD v4.1: 13 of 1,596,632 alleles (0.00081%); highest among the groups gnomAD compares: African/African-American, 0.0027%; no homozygotes.

Submissions (3):

CeGaT Center for Human Genetics Tuebingen
Classification: Likely benign. Last evaluated: 2026-03-01. Review status: criteria provided, single submitter. Criteria: CeGaT Center For Human Genetics Tuebingen Variant Classification Criteria Version 2. Collection method: clinical testing. Allele origin: germline. Affected: yes. Observed: 1 variant allele.
Comment: SKI: BP4, BP7

Labcorp Genetics (formerly Invitae), Labcorp
Classification: Likely benign for Shprintzen-Goldberg syndrome. Last evaluated: 2024-10-21. Review status: criteria provided, single submitter. Criteria: Invitae Variant Classification Sherloc (09022015). Collection method: clinical testing. Allele origin: germline.

Ambry Genetics
Classification: Likely benign for Familial thoracic aortic aneurysm and aortic dissection. Last evaluated: 2016-02-29. Review status: criteria provided, single submitter. Criteria: Ambry Variant Classification Scheme 2023. Collection method: clinical testing. Allele origin: germline.

NM_003036.4(SKI):c.1797G>A (p.Lys599=)

Gene: SKI (SKI proto-oncogene; plus strand). Cytogenetic location: 1p36.32.
Variant type: single nucleotide variant.
Coding change: c.1797G>A on transcript NM_003036.4 (MANE Select); coding-DNA position 1797, G replaced by A.
Protein change: p.Lys599=; no amino-acid change (lysine 599 retained).
Molecular consequence: synonymous variant.
Genome position (GRCh38, 1-based): chr1:2,306,049, G>A. VCF-style: chr1-2306049-G-A. GRCh37 (hg19) VCF-style: chr1-2237488-G-A.
Identifiers: ClinVar variation 520151 (VCV000520151.18), dbSNP rs767488534, ClinGen allele CA536812.